The following is an entry in ClinVar:

ClinVar aggregate classification (germline): Conflicting classifications of pathogenicity. Review status: criteria provided, conflicting classifications (1 of 4 stars). 2 submissions from 2 submitters: Uncertain significance (1); Likely benign (1). Last evaluated 2024-07-03.

Allele frequency attached by ClinVar (database versions not stated): TOPMed below 0.00001; ExAC 0.00001; gnomAD 0.00001; gnomAD exomes 0.00002 and 0.00003.
gnomAD v4.1: 10 of 1,613,880 alleles (0.00062%); highest among the groups gnomAD compares: Admixed American, 0.017%; no homozygotes.

Submissions (2):

Labcorp Genetics (formerly Invitae), Labcorp
Classification: Likely benign. Last evaluated: 2024-07-03. Review status: criteria provided, single submitter. Criteria: Invitae Variant Classification Sherloc (09022015). Collection method: clinical testing. Allele origin: germline.

GeneDx
Classification: Uncertain significance. Last evaluated: 2021-10-21. Review status: criteria provided, single submitter. Criteria: GeneDx Variant Classification Process June 2021. Collection method: clinical testing. Allele origin: germline. Affected: yes.
Comment: In silico analysis supports that this variant does not alter splicing; Has not been previously published as pathogenic or benign to our knowledge

NM_144672.4(OTOA):c.1807-6T>C

Gene: OTOA (otoancorin). Cytogenetic location: 16p12.2.
Variant type: single nucleotide variant.
Coding change: c.1807-6T>C on transcript NM_144672.4 (MANE Select); 6 bases into the intron before coding-DNA position 1807, T replaced by C.
Molecular consequence: intron variant.
Genome position (GRCh38, 1-based): chr16:21,722,899, T>C. VCF-style: chr16-21722899-T-C. GRCh37 (hg19) VCF-style: chr16-21734220-T-C.
Other names: c.1570-6T>C (NM_001161683.2); c.835-6T>C (NM_170664.3).
Identifiers: ClinVar variation 1315535 (VCV001315535.9), dbSNP rs767786513, ClinGen allele CA7952813.